The following is an entry in ClinVar:

ClinVar aggregate classification (germline): Uncertain significance (1 of 4 stars; one submission).

gnomAD v4.1: 1 of 1,614,240 alleles (0.000062%); highest among the groups gnomAD compares: Non-Finnish European, 0.000085%; no homozygotes.

Submission:

GeneDx
Classification: Uncertain significance. Last evaluated: 2024-02-13. Review status: criteria provided, single submitter. Criteria: GeneDx Variant Classification Process June 2021. Collection method: clinical testing. Allele origin: germline. Affected: yes.
Comment: Not observed at significant frequency in large population cohorts (gnomAD); In silico analysis supports that this missense variant does not alter protein structure/function; Has not been previously published as pathogenic or benign to our knowledge; This variant is associated with the following publications: (PMID: 25512093, 25609763, 26100331)

NM_001376.5(DYNC1H1):c.10639A>G (p.Ile3547Val)

Gene: DYNC1H1 (dynein cytoplasmic 1 heavy chain 1; plus strand). Cytogenetic location: 14q32.31.
Variant type: single nucleotide variant.
Coding change: c.10639A>G on transcript NM_001376.5 (MANE Select); coding-DNA position 10639, A replaced by G.
Protein change: p.Ile3547Val; replaces isoleucine 3547 with valine.
Molecular consequence: missense variant.
Genome position (GRCh38, 1-based): chr14:102,034,337, A>G. VCF-style: chr14-102034337-A-G. GRCh37 (hg19) VCF-style: chr14-102500674-A-G.
Other names: short protein forms I3547V.
Identifiers: ClinVar variation 3369281 (VCV003369281.1).